The following is an entry in ClinVar:

ClinVar aggregate classification (germline): Uncertain significance (1 of 4 stars; one submission).

Conditions:
Hereditary spastic paraplegia 11. Also called: Nakamura Osame syndrome; Autosomal recessive hereditary spastic paraplegia, mental impairment, and thin corpus callosum; Spastic paraplegia, mental retardation and thin corpus callosum; SPASTIC PARAPLEGIA, AUTOSOMAL RECESSIVE, COMPLICATED, WITH THIN CORPUS CALLOSUM; SPASTIC PARAPLEGIA, AUTOSOMAL RECESSIVE, WITH MENTAL IMPAIRMENT AND THIN CORPUS CALLOSUM; Spastic Paraplegia 11. Identifiers: Orphanet 2822, MedGen C1858479, MONDO:0011445, OMIM 604360.

Allele frequency attached by ClinVar (database versions not stated): gnomAD exomes below 0.00001; TOPMed 0.00001.
gnomAD v4.1: 5 of 1,614,174 alleles (0.00031%); highest among the groups gnomAD compares: Non-Finnish European, 0.00042%; no homozygotes.

Submission:

Labcorp Genetics (formerly Invitae), Labcorp
Classification: Uncertain significance for Hereditary spastic paraplegia 11. Last evaluated: 2019-07-24. Review status: criteria provided, single submitter. Criteria: Invitae Variant Classification Sherloc (09022015). Collection method: clinical testing. Allele origin: germline.
Comment: This variant has been observed in the heterozygous state in an individual affected with amyotrophic lateral sclerosis; a variant in a different gene was also identified in this individual (PMID: 29342275). In summary, the available evidence is currently insufficient to determine the role of this variant in disease. Therefore, it has been classified as a Variant of Uncertain Significance. Algorithms developed to predict the effect of missense changes on protein structure and function output the following: SIFT: "Tolerated"; PolyPhen-2: "Probably Damaging"; Align-GVGD: "Class C0". The methionine amino acid residue is found in multiple mammalian species, suggesting that this missense change does not adversely affect protein function. These predictions have not been confirmed by published functional studies and their clinical significance is uncertain. This variant is not present in population databases (ExAC no frequency). This sequence change replaces valine with methionine at codon 2426 of the SPG11 protein (p.Val2426Met). The valine residue is weakly conserved and there is a small physicochemical difference between valine and methionine.

Literature cited by the submitters: PubMed 29342275.

NM_025137.4(SPG11):c.7276G>A (p.Val2426Met)

Gene: SPG11 (SPG11 vesicle trafficking associated, spatacsin; minus strand). Cytogenetic location: 15q21.1.
Variant type: single nucleotide variant.
Coding change: c.7276G>A on transcript NM_025137.4 (MANE Select); coding-DNA position 7276, G replaced by A.
Protein change: p.Val2426Met; replaces valine 2426 with methionine.
Molecular consequence: missense variant.
Genome position (GRCh38, 1-based): chr15:44,563,177, C>T on the plus strand (G>A on the coding strand, the complement: SPG11 is on the minus strand). VCF-style: chr15-44563177-C-T. GRCh37 (hg19) VCF-style: chr15-44855375-C-T.
Other names: c.6937G>A, p.Val2313Met (NM_001160227.2); short protein forms V2426M, V2313M.
Identifiers: ClinVar variation 958548 (VCV000958548.6), dbSNP rs1358019293, ClinGen allele CA392210100.
Genomic context (GRCh38, chr15:44,563,177, plus strand): 5'-TCATCTAACCTGCTAGCATGTCCTTTAGACAGCAACCTGTCTGAGGGTCCTTCAGAAGCA[C>T]ATTTACAATTTCATAAAACTTGTGTTCGTATGCCAACTTGTAATACAGGTAAACATCTTC-3'
Protein context (NP_079413.3, residues 2416-2436): YEHKFYEIVN[Val2426Met]LLKDPQTGCC